The following is an entry in ClinVar:

ClinVar aggregate classification (germline): Uncertain significance (1 of 4 stars; one submission).

Submission:

Labcorp Genetics (formerly Invitae), Labcorp
Classification: Uncertain significance. Last evaluated: 2024-06-28. Review status: criteria provided, single submitter. Criteria: Invitae Variant Classification Sherloc (09022015). Collection method: clinical testing. Allele origin: germline.
Comment: This sequence change replaces alanine, which is neutral and non-polar, with valine, which is neutral and non-polar, at codon 64 of the MAGEL2 protein (p.Ala64Val). This variant is not present in population databases (gnomAD no frequency). This variant has not been reported in the literature in individuals affected with MAGEL2-related conditions. Algorithms developed to predict the effect of missense changes on protein structure and function output the following: SIFT: "Not Available"; PolyPhen-2: "Not Available"; Align-GVGD: "Not Available". The valine amino acid residue is found in multiple mammalian species, which suggests that this missense change does not adversely affect protein function. In summary, the available evidence is currently insufficient to determine the role of this variant in disease. Therefore, it has been classified as a Variant of Uncertain Significance.

NM_019066.5(MAGEL2):c.191C>T (p.Ala64Val)

Gene: MAGEL2 (MAGE family member L2; minus strand). Cytogenetic location: 15q11.2.
Variant type: single nucleotide variant.
Coding change: c.191C>T on transcript NM_019066.5 (MANE Select); coding-DNA position 191, C replaced by T.
Protein change: p.Ala64Val; replaces alanine 64 with valine.
Molecular consequence: missense variant.
Genome position (GRCh38, 1-based): chr15:23,647,552, G>A on the plus strand (C>T on the coding strand, the complement: MAGEL2 is on the minus strand). VCF-style: chr15-23647552-G-A. GRCh37 (hg19) VCF-style: chr15-23892699-G-A.
Other names: short protein forms A64V.
Identifiers: ClinVar variation 3658076 (VCV003658076.2).